The following is an entry in ClinVar:

NM_002907.4(RECQL):c.1637T>C (p.Ile546Thr)

Gene: RECQL (RecQ like helicase; minus strand). Cytogenetic location: 12p12.1.
Variant type: single nucleotide variant.
Coding change: c.1637T>C on transcript NM_002907.4 (MANE Select); coding-DNA position 1637, T replaced by C.
Protein change: p.Ile546Thr; replaces isoleucine 546 with threonine.
Molecular consequence: missense variant.
Genome position (GRCh38, 1-based): chr12:21,471,458, A>G on the plus strand (T>C on the coding strand, the complement: RECQL is on the minus strand). VCF-style: chr12-21471458-A-G. GRCh37 (hg19) VCF-style: chr12-21624392-A-G.
Other names: c.1637T>C, p.Ile546Thr (NM_032941.3); short protein forms I546T.
Identifiers: ClinVar variation 1704103 (VCV001704103.5), dbSNP rs909277838, ClinGen allele CA233565251.

ClinVar aggregate classification (germline): Uncertain significance. Review status: criteria provided, multiple submitters, no conflicts (2 of 4 stars). 3 submissions from 3 submitters: Uncertain significance (3). Last evaluated 2025-12-01.

Allele frequency attached by ClinVar (database versions not stated): gnomAD exomes below 0.00001; TOPMed 0.00001.
gnomAD v4.1: 2 of 1,613,022 alleles (0.00012%); highest among the groups gnomAD compares: East Asian, 0.0022%; no homozygotes.

Submissions (3):

Labcorp Genetics (formerly Invitae), Labcorp
Classification: Uncertain significance. Last evaluated: 2025-12-01. Review status: criteria provided, single submitter. Criteria: Invitae Variant Classification Sherloc (09022015). Collection method: clinical testing. Allele origin: germline.
Comment: This sequence change replaces isoleucine, which is neutral and non-polar, with threonine, which is neutral and polar, at codon 546 of the RECQL protein (p.Ile546Thr). This variant is not present in population databases (gnomAD no frequency). This variant has not been reported in the literature in individuals affected with RECQL-related conditions. ClinVar contains an entry for this variant (Variation ID: 1704103). Invitae Evidence Modeling of protein sequence and biophysical properties (such as structural, functional, and spatial information, amino acid conservation, physicochemical variation, residue mobility, and thermodynamic stability) indicates that this missense variant is not expected to disrupt RECQL protein function with a negative predictive value of 80%. In summary, the available evidence is currently insufficient to determine the role of this variant in disease. Therefore, it has been classified as a Variant of Uncertain Significance.

Ambry Genetics
Classification: Uncertain significance. Last evaluated: 2024-03-06. Review status: criteria provided, single submitter. Criteria: Ambry Variant Classification Scheme 2023. Collection method: clinical testing. Allele origin: germline.
Comment: The p.I546T variant (also known as c.1637T>C), located in coding exon 12 of the RECQL gene, results from a T to C substitution at nucleotide position 1637. The isoleucine at codon 546 is replaced by threonine, an amino acid with similar properties. This amino acid position is conserved. In addition, this alteration is predicted to be tolerated by in silico analysis. Since supporting evidence is limited at this time, the clinical significance of this alteration remains unclear.

GeneDx
Classification: Uncertain significance. Last evaluated: 2022-02-28. Review status: criteria provided, single submitter. Criteria: GeneDx Variant Classification Process June 2021. Collection method: clinical testing. Allele origin: germline. Affected: yes.
Comment: Not observed at significant frequency in large population cohorts (gnomAD); In silico analysis supports that this missense variant has a deleterious effect on protein structure/function; Has not been previously published as pathogenic or benign to our knowledge; This variant is associated with the following publications: (PMID: 27248010, 19151156)